The following is an entry in ClinVar:

NM_006531.5(IFT88):c.2345A>G (p.Lys782Arg)

Gene: IFT88 (intraflagellar transport 88; plus strand). Cytogenetic location: 13q12.11.
Variant type: single nucleotide variant.
Coding change: c.2345A>G on transcript NM_006531.5 (MANE Select); coding-DNA position 2345, A replaced by G.
Protein change: p.Lys782Arg; replaces lysine 782 with arginine.
Molecular consequence: missense variant. On other transcripts: non-coding transcript variant (4), intron variant (5).
Genome position (GRCh38, 1-based): chr13:20,690,807, A>G. VCF-style: chr13-20690807-A-G. GRCh37 (hg19) VCF-style: chr13-21264946-A-G.
Other names: c.2288A>G, p.Lys763Arg (NM_001318491.2); c.2372A>G, p.Lys791Arg (NM_001318493.2, NM_001353565.2, NM_001353566.2 and 2 more transcripts); c.2345A>G, p.Lys782Arg (NM_001353568.2); c.2270A>G, p.Lys757Arg (NM_001353569.2, NM_001353570.2); c.2243A>G, p.Lys748Arg (NM_001353571.2); c.2201A>G, p.Lys734Arg (NM_001353573.2); c.2186A>G, p.Lys729Arg (NM_001353574.2); c.1712A>G, p.Lys571Arg (NM_001353579.2); and 4 more; short protein forms K729R, K782R, K571R, K734R, K748R, K757R, K763R, K791R.
Identifiers: ClinVar variation 1914448 (VCV001914448.5), dbSNP rs749726010, ClinGen allele CA6905742.

ClinVar aggregate classification (germline): Uncertain significance (1 of 4 stars; one submission).

Allele frequency attached by ClinVar (database versions not stated): gnomAD exomes below 0.00001; ExAC 0.00002; TOPMed 0.00011.
gnomAD v4.1: 3 of 1,609,348 alleles (0.00019%); highest among the groups gnomAD compares: Admixed American, 0.005%; no homozygotes.

Submission:

Labcorp Genetics (formerly Invitae), Labcorp
Classification: Uncertain significance. Last evaluated: 2024-02-12. Review status: criteria provided, single submitter. Criteria: Invitae Variant Classification Sherloc (09022015). Collection method: clinical testing. Allele origin: germline.
Comment: This sequence change replaces lysine, which is basic and polar, with arginine, which is basic and polar, at codon 791 of the IFT88 protein (p.Lys791Arg). This variant is present in population databases (rs749726010, gnomAD 0.01%). This variant has not been reported in the literature in individuals affected with IFT88-related conditions. ClinVar contains an entry for this variant (Variation ID: 1914448). Algorithms developed to predict the effect of missense changes on protein structure and function output the following: SIFT: "Not Available"; PolyPhen-2: "Benign"; Align-GVGD: "Not Available". The arginine amino acid residue is found in multiple mammalian species, which suggests that this missense change does not adversely affect protein function. In summary, the available evidence is currently insufficient to determine the role of this variant in disease. Therefore, it has been classified as a Variant of Uncertain Significance.